The following is an entry in ClinVar:

ClinVar aggregate classification (germline): Likely benign. Review status: criteria provided, single submitter (1 of 4 stars). 2 submissions from 2 submitters: Likely benign (1). 1 of the submissions does not count toward it. Last evaluated 2025-04-22.

Conditions:
CFAP410-related disorder. Also called: CFAP410-related condition.

Allele frequency attached by ClinVar (database versions not stated): gnomAD 0.00006.
gnomAD v4.1: 27 of 1,610,302 alleles (0.0017%); highest among the groups gnomAD compares: African/African-American, 0.012%; 2 homozygotes.

Submissions (2):

Labcorp Genetics (formerly Invitae), Labcorp
Classification: Likely benign. Last evaluated: 2025-04-22. Review status: criteria provided, single submitter. Criteria: Invitae Variant Classification Sherloc (09022015). Collection method: clinical testing. Allele origin: germline.

PreventionGenetics, part of Exact Sciences
Classification: Likely benign for CFAP410-related condition. Last evaluated: 2022-09-19. Review status: no assertion criteria provided. Collection method: clinical testing. Allele origin: germline. Not counted in ClinVar's aggregate classification.
Comment: This variant is classified as likely benign based on ACMG/AMP sequence variant interpretation guidelines (Richards et al. 2015 PMID: 25741868, with internal and published modifications).

NM_004928.3(CFAP410):c.294G>A (p.Pro98=)

Gene: CFAP410 (cilia and flagella associated protein 410; minus strand). Cytogenetic location: 21q22.3.
Variant type: single nucleotide variant.
Coding change: c.294G>A on transcript NM_004928.3 (MANE Select); coding-DNA position 294, G replaced by A.
Protein change: p.Pro98=; no amino-acid change (proline 98 retained).
Molecular consequence: synonymous variant.
Genome position (GRCh38, 1-based): chr21:44,333,112, C>T on the plus strand (G>A on the coding strand, the complement: CFAP410 is on the minus strand). VCF-style: chr21-44333112-C-T. GRCh37 (hg19) VCF-style: chr21-45752995-C-T.
Other names: c.294G>A, p.Pro98= (NM_001271440.2, NM_001271441.2); c.171G>A, p.Pro57= (NM_001271442.1); c.294G>A (NM_004928.2).
Identifiers: ClinVar variation 1549561 (VCV001549561.10), dbSNP rs755945783, ClinGen allele CA10053735.
Genomic context (GRCh38, chr21:44,333,112, plus strand): 5'-TAGGCGCGGCAGGGTGCGCAGCACGGTCATGCGGTAGCGGTGGGGGCTGGTGCCGCAGCA[C>T]GGGTTCTCGGCCAGCCACAGCACCCGCAGACGCGGCAGCCCCTTCAGGTAGAAGAGCTCA-3'
Protein context (NP_004919.1, residues 88-108): RLRVLWLAEN[Pro98=]CCGTSPHRYR